The following is an entry in ClinVar:

NM_005591.4(MRE11):c.247T>C (p.Cys83Arg)

Gene: MRE11 (MRE11 double strand break repair nuclease; minus strand). Cytogenetic location: 11q21.
Variant type: single nucleotide variant.
Coding change: c.247T>C on transcript NM_005591.4 (MANE Select); coding-DNA position 247, T replaced by C.
Protein change: p.Cys83Arg; replaces cysteine 83 with arginine.
Molecular consequence: missense variant.
Genome position (GRCh38, 1-based): chr11:94,485,991, A>G on the plus strand (T>C on the coding strand, the complement: MRE11 is on the minus strand). VCF-style: chr11-94485991-A-G. GRCh37 (hg19) VCF-style: chr11-94219157-A-G.
Other names: c.247T>C, p.Cys83Arg (NM_001330347.2, NM_005590.4); short protein forms C83R.
Identifiers: ClinVar variation 655319 (VCV000655319.12), dbSNP rs587782486, ClinGen allele CA382379552.

ClinVar aggregate classification (germline): Uncertain significance. Review status: criteria provided, multiple submitters, no conflicts (2 of 4 stars). 2 submissions from 2 submitters: Uncertain significance (2). Last evaluated 2022-11-20.

Conditions:
Ataxia-telangiectasia-like disorder (ATLD). Identifiers: MedGen C1858391, MONDO:0011457.
Hereditary cancer-predisposing syndrome. Also called: Hereditary neoplastic syndrome; Tumor predisposition; Neoplastic Syndromes, Hereditary; Hereditary Cancer Syndrome. Identifiers: Orphanet 140162, MedGen C0027672, MeSH D009386, MONDO:0015356.

Allele frequency attached by ClinVar (database versions not stated): gnomAD exomes below 0.00001.
gnomAD v4.1: 2 of 1,613,924 alleles (0.00012%); highest among the groups gnomAD compares: Non-Finnish European, 0.000085%; no homozygotes.

Submissions (2):

Ambry Genetics
Classification: Uncertain significance for Hereditary cancer-predisposing syndrome. Last evaluated: 2022-11-20. Review status: criteria provided, single submitter. Criteria: Ambry Variant Classification Scheme 2023. Collection method: clinical testing. Allele origin: germline.
Comment: The p.C83R variant (also known as c.247T>C), located in coding exon 3 of the MRE11A gene, results from a T to C substitution at nucleotide position 247. The cysteine at codon 83 is replaced by arginine, an amino acid with highly dissimilar properties. This amino acid position is conserved. In addition, this alteration is predicted to be deleterious by in silico analysis. Since supporting evidence is limited at this time, the clinical significance of this alteration remains unclear.

Labcorp Genetics (formerly Invitae), Labcorp
Classification: Uncertain significance for Ataxia-telangiectasia-like disorder. Last evaluated: 2019-05-31. Review status: criteria provided, single submitter. Criteria: Invitae Variant Classification Sherloc (09022015). Collection method: clinical testing. Allele origin: germline.
Comment: In summary, the available evidence is currently insufficient to determine the role of this variant in disease. Therefore, it has been classified as a Variant of Uncertain Significance. Algorithms developed to predict the effect of missense changes on protein structure and function are either unavailable or do not agree on the potential impact of this missense change (SIFT: "Deleterious"; PolyPhen-2: "Probably Damaging"; Align-GVGD: "Class C0"). This variant has not been reported in the literature in individuals with MRE11-related disease. This variant is not present in population databases (ExAC no frequency). This sequence change replaces cysteine with arginine at codon 83 of the MRE11 protein (p.Cys83Arg). The cysteine residue is highly conserved and there is a large physicochemical difference between cysteine and arginine.